The following is an entry in ClinVar:

NM_003742.4(ABCB11):c.119G>A (p.Gly40Asp)

Gene: ABCB11 (ATP binding cassette subfamily B member 11; minus strand). Cytogenetic location: 2q31.1.
Variant type: single nucleotide variant.
Coding change: c.119G>A on transcript NM_003742.4 (MANE Select); coding-DNA position 119, G replaced by A.
Protein change: p.Gly40Asp; replaces glycine 40 with aspartic acid.
Molecular consequence: missense variant.
Genome position (GRCh38, 1-based): chr2:169,014,334, C>T on the plus strand (G>A on the coding strand, the complement: ABCB11 is on the minus strand). VCF-style: chr2-169014334-C-T. GRCh37 (hg19) VCF-style: chr2-169870844-C-T.
Other names: short protein forms G40D.
Identifiers: ClinVar variation 893116 (VCV000893116.6), dbSNP rs951486880, ClinGen allele CA59876043.

ClinVar aggregate classification (germline): Uncertain significance. Review status: criteria provided, single submitter (1 of 4 stars). 2 submissions from 2 submitters: Uncertain significance (1). 1 of the submissions does not count toward it. Last evaluated 2017-04-27.

Conditions:
Progressive familial intrahepatic cholestasis type 2. Identifiers: Orphanet 79304, MedGen C3489789, MONDO:0011156, OMIM 601847.
ABCB11-related disorder. Also called: ABCB11-related condition.

Allele frequency attached by ClinVar (database versions not stated): gnomAD 0.00004; TOPMed 0.00005.
gnomAD v4.1: 88 of 1,613,256 alleles (0.0055%); highest among the groups gnomAD compares: Non-Finnish European, 0.0071%; no homozygotes.

Submissions (2):

Illumina Laboratory Services, Illumina
Classification: Uncertain significance for Progressive familial intrahepatic cholestasis type 2. Last evaluated: 2017-04-27. Review status: criteria provided, single submitter. Criteria: ICSL Variant Classification Criteria 13 December 2019. Collection method: clinical testing. Allele origin: germline.

PreventionGenetics, part of Exact Sciences
Classification: Uncertain significance for ABCB11-related condition. Last evaluated: 2023-12-08. Review status: no assertion criteria provided. Collection method: clinical testing. Allele origin: germline. Not counted in ClinVar's aggregate classification.
Comment: The ABCB11 c.119G>A variant is predicted to result in the amino acid substitution p.Gly40Asp. To our knowledge, this variant has not been reported in the literature. This variant is reported in 0.0051% of alleles in individuals of East Asian descent in gnomAD. At this time, the clinical significance of this variant is uncertain due to the absence of conclusive functional and genetic evidence.